The following is an entry in ClinVar:

NM_004453.4(ETFDH):c.383del (p.Phe128fs)

Gene: ETFDH (electron transfer flavoprotein dehydrogenase; plus strand). Cytogenetic location: 4q32.1.
Variant type: Deletion.
Coding change: c.383del on transcript NM_004453.4 (MANE Select); coding-DNA position 383, one base deleted (T; older notation c.383delT).
Protein change: p.Phe128fs; shifts the reading frame from phenylalanine 128.
Molecular consequence: frameshift variant.
Genome position (GRCh38, 1-based): chr4:158,682,402, T deleted; the last of 2 consecutive T bases (chr4:158,682,401-158,682,402); deleting either gives the same sequence. VCF-style (leftmost placement, unchanged base first): chr4-158682400-CT-C. GRCh37 (hg19) VCF-style: chr4-159603552-CT-C.
Other names: c.242del, p.Phe81fs (NM_001281737.2); c.200del, p.Phe67fs (NM_001281738.1); short protein forms F67fs, F81fs, F128fs.
Identifiers: ClinVar variation 2820087 (VCV002820087.3), dbSNP rs2479080929, ClinGen allele CA2739270338.

ClinVar aggregate classification (germline): Pathogenic (1 of 4 stars; one submission).

Conditions:
Multiple acyl-CoA dehydrogenase deficiency (MADD). Also called: ETHYLMALONIC-ADIPICACIDURIA; GA II; Glutaric aciduria, type 2; Glutaric acidemia type II; GA 2; Glutaric Acidemia type 2. Identifiers: Orphanet 26791, MedGen C0268596, MONDO:0009282, OMIM 231680.

Submission:

Labcorp Genetics (formerly Invitae), Labcorp
Classification: Pathogenic for Multiple acyl-CoA dehydrogenase deficiency. Last evaluated: 2022-12-10. Review status: criteria provided, single submitter. Criteria: Invitae Variant Classification Sherloc (09022015). Collection method: clinical testing. Allele origin: germline.
Comment: This sequence change creates a premature translational stop signal (p.Phe128Serfs*15) in the ETFDH gene. It is expected to result in an absent or disrupted protein product. Loss-of-function variants in ETFDH are known to be pathogenic (PMID: 16510302, 23785301). For these reasons, this variant has been classified as Pathogenic. This variant has not been reported in the literature in individuals affected with ETFDH-related conditions. This variant is not present in population databases (gnomAD no frequency).

Literature cited by the submitters: PubMed 16510302; PubMed 23785301.